The following is an entry in ClinVar:

NM_058216.3(RAD51C):c.379C>A (p.Pro127Thr)

Gene: RAD51C (RAD51 paralog C; plus strand). Cytogenetic location: 17q22.
Variant type: single nucleotide variant.
Coding change: c.379C>A on transcript NM_058216.3 (MANE Select); coding-DNA position 379, C replaced by A.
Protein change: p.Pro127Thr; replaces proline 127 with threonine.
Molecular consequence: missense variant. On other transcripts: non-coding transcript variant (2).
Genome position (GRCh38, 1-based): chr17:58,695,164, C>A. VCF-style: chr17-58695164-C-A. GRCh37 (hg19) VCF-style: chr17-56772525-C-A.
Other names: c.379C>A, p.Pro127Thr (NM_002876.4); short protein forms P127T.
Identifiers: ClinVar variation 142086 (VCV000142086.18), dbSNP rs587782222, ClinGen allele CA167367.

ClinVar aggregate classification (germline): Uncertain significance. Review status: criteria provided, multiple submitters, no conflicts (2 of 4 stars). 5 submissions from 4 submitters: Uncertain significance (3). 2 of the submissions do not count toward it. Last evaluated 2024-05-08.

Conditions:
Hereditary cancer-predisposing syndrome. Also called: Neoplastic Syndromes, Hereditary; Hereditary Cancer Syndrome; Hereditary neoplastic syndrome; Tumor predisposition. Identifiers: Orphanet 140162, MedGen C0027672, MeSH D009386, MONDO:0015356.
Breast-ovarian cancer, familial, susceptibility to, 3. Also called: RAD51C-Related Breast/Ovarian Cancer. Identifiers: Orphanet 145, MedGen C3150659, MONDO:0013253, OMIM 613399.
Fanconi anemia complementation group O. Also called: RAD51C-Related Fanconi Anemia. Identifiers: Orphanet 84, MedGen C3150653, MONDO:0013248, OMIM 613390.

Allele frequency attached by ClinVar (database versions not stated): gnomAD exomes below 0.00001; TOPMed below 0.00001; gnomAD 0.00001.
gnomAD v4.1: 2 of 1,612,304 alleles (0.00012%); highest among the groups gnomAD compares: Non-Finnish European, 0.00017%; no homozygotes.

Submissions (5):

Ambry Genetics
Classification: Uncertain significance for Hereditary cancer-predisposing syndrome. Last evaluated: 2024-05-08. Review status: criteria provided, single submitter. Criteria: Ambry Variant Classification Scheme 2023. Collection method: clinical testing. Allele origin: germline.
Comment: The p.P127T variant (also known as c.379C>A), located in coding exon 2 of the RAD51C gene, results from a C to A substitution at nucleotide position 379. The proline at codon 127 is replaced by threonine, an amino acid with highly similar properties. This amino acid position is highly conserved in available vertebrate species. In addition, this alteration is predicted to be deleterious by in silico analysis. Since supporting evidence is limited at this time, the clinical significance of this alteration remains unclear.

Myriad Genetics, Inc.
Classification: Uncertain significance for Breast-ovarian cancer, familial, susceptibility to, 3. Last evaluated: 2023-04-05. Review status: criteria provided, single submitter. Criteria: Myriad Autosomal Dominant, Autosomal Recessive and X-Linked Classification Criteria (2023). Collection method: clinical testing. Allele origin: unknown.
Comment: This variant is classified as a variant of uncertain significance as there is insufficient evidence to determine its impact on protein function and/or cancer risk.

Labcorp Genetics (formerly Invitae), Labcorp
Classification: Uncertain significance for Fanconi anemia complementation group O. Last evaluated: 2020-02-29. Review status: criteria provided, single submitter. Criteria: Invitae Variant Classification Sherloc (09022015). Collection method: clinical testing. Allele origin: germline.
Comment: In summary, the available evidence is currently insufficient to determine the role of this variant in disease. Therefore, it has been classified as a Variant of Uncertain Significance. This sequence change replaces proline with threonine at codon 127 of the RAD51C protein (p.Pro127Thr). The proline residue is highly conserved and there is a small physicochemical difference between proline and threonine. This variant is not present in population databases (ExAC no frequency). This variant has not been reported in the literature in individuals with RAD51C-related conditions. ClinVar contains an entry for this variant (Variation ID: 142086). Algorithms developed to predict the effect of missense changes on protein structure and function are either unavailable or do not agree on the potential impact of this missense change (SIFT: "Deleterious"; PolyPhen-2: "Probably Damaging"; Align-GVGD: "Class C0").

Counsyl
Classification: Uncertain significance for Fanconi anemia complementation group O. Last evaluated: 2016-08-31. Review status: no assertion criteria provided. Collection method: clinical testing. Allele origin: unknown. Not counted in ClinVar's aggregate classification.

Counsyl
Classification: Uncertain significance for Breast-ovarian cancer, familial, susceptibility to, 3. Last evaluated: 2016-08-31. Review status: no assertion criteria provided. Collection method: clinical testing. Allele origin: unknown. Not counted in ClinVar's aggregate classification.